The following is an entry in ClinVar:

ClinVar aggregate classification (germline): Uncertain significance. Review status: criteria provided, multiple submitters, no conflicts (2 of 4 stars). 2 submissions from 2 submitters: Uncertain significance (2). Last evaluated 2024-12-02.

Conditions:
ADNP-related multiple congenital anomalies - intellectual disability - autism spectrum disorder. Also called: Helsmoortel-Van der Aa Syndrome; ADNP-Related Helsmoortel-Van der Aa Syndrome. Identifiers: Orphanet 404448, MedGen C4014538, MONDO:0014379, OMIM 615873. Disease mechanism: loss of function.

Allele frequency attached by ClinVar (database versions not stated): ExAC 0.00002; gnomAD 0.00003; gnomAD exomes 0.00005; ESP Exome Variant Server 0.00008.
gnomAD v4.1: 71 of 1,614,084 alleles (0.0044%); highest among the groups gnomAD compares: Non-Finnish European, 0.0059%; no homozygotes.

Submissions (2):

Labcorp Genetics (formerly Invitae), Labcorp
Classification: Uncertain significance. Last evaluated: 2024-12-02. Review status: criteria provided, single submitter. Criteria: Invitae Variant Classification Sherloc (09022015). Collection method: clinical testing. Allele origin: germline.
Comment: This sequence change replaces alanine, which is neutral and non-polar, with valine, which is neutral and non-polar, at codon 713 of the ADNP protein (p.Ala713Val). This variant is present in population databases (rs375998490, gnomAD 0.003%). This variant has not been reported in the literature in individuals affected with ADNP-related conditions. ClinVar contains an entry for this variant (Variation ID: 2438887). An algorithm developed to predict the effect of missense changes on protein structure and function (PolyPhen-2) suggests that this variant is likely to be tolerated. In summary, the available evidence is currently insufficient to determine the role of this variant in disease. Therefore, it has been classified as a Variant of Uncertain Significance.

Revvity Omics, Revvity
Classification: Uncertain significance for ADNP-related multiple congenital anomalies - intellectual disability - autism spectrum disorder. Last evaluated: 2021-09-24. Review status: criteria provided, single submitter. Criteria: ACMG Guidelines, 2015. Collection method: clinical testing. Allele origin: germline.

NM_001282531.3(ADNP):c.2138C>T (p.Ala713Val)

Gene: ADNP (activity dependent neuroprotector homeobox; minus strand). Cytogenetic location: 20q13.13.
Variant type: single nucleotide variant.
Coding change: c.2138C>T on transcript NM_001282531.3 (MANE Select); coding-DNA position 2138, C replaced by T.
Protein change: p.Ala713Val; replaces alanine 713 with valine.
Molecular consequence: missense variant.
Genome position (GRCh38, 1-based): chr20:50,892,576, G>A on the plus strand (C>T on the coding strand, the complement: ADNP is on the minus strand). VCF-style: chr20-50892576-G-A. GRCh37 (hg19) VCF-style: chr20-49509113-G-A.
Other names: c.2138C>T, p.Ala713Val (NM_001282532.2, NM_001347511.2, NM_015339.5 and 1 more transcripts); short protein forms A713V.
Identifiers: ClinVar variation 2438887 (VCV002438887.6), dbSNP rs375998490, ClinGen allele CA9908640.
Genomic context (GRCh38, chr20:50,892,576, plus strand): 5'-TCTAACTTTCGTTTTTTCAGTAAGGGAAATTCCATTTGCTCGTAAGTGCGCTTCACAGGT[G>A]CCAGACTTGGAGACTGATTAAGCCGAGAGGGTGCATTTGTCTTATCCTGGCCATTTTGGG-3'
Protein context (NP_001269460.1, residues 703-723): PSRLNQSPSL[Ala713Val]PVKRTYEQME